The following is an entry in ClinVar:

ClinVar aggregate classification (germline): Likely benign (1 of 4 stars; one submission).

Allele frequency attached by ClinVar (database versions not stated): 1000 Genomes Project 30x 0.00094; 1000 Genomes Project 0.00100; gnomAD 0.00225; TOPMed 0.00229; ESP Exome Variant Server 0.00238; ExAC 0.00243; gnomAD exomes 0.00294.
gnomAD v4.1: 4,631 of 1,613,178 alleles (0.29%); highest among the groups gnomAD compares: Non-Finnish European, 0.35%; 10 homozygotes.

Submission:

CeGaT Center for Human Genetics Tuebingen
Classification: Likely benign. Last evaluated: 2023-02-01. Review status: criteria provided, single submitter. Criteria: CeGaT Center For Human Genetics Tuebingen Variant Classification Criteria Version 2. Collection method: clinical testing. Allele origin: germline. Affected: yes. Observed: 1 variant allele.
Comment: ISYNA1: BP4, BP7

NM_016368.5(ISYNA1):c.1653G>A (p.Glu551=)

Gene: ISYNA1 (inositol-3-phosphate synthase 1; minus strand). Cytogenetic location: 19p13.11.
Variant type: single nucleotide variant.
Coding change: c.1653G>A on transcript NM_016368.5 (MANE Select); coding-DNA position 1653, G replaced by A.
Protein change: p.Glu551=; no amino-acid change (glutamic acid 551 retained).
Molecular consequence: synonymous variant. On other transcripts: non-coding transcript variant (2).
Genome position (GRCh38, 1-based): chr19:18,434,937, C>T on the plus strand (G>A on the coding strand, the complement: ISYNA1 is on the minus strand). VCF-style: chr19-18434937-C-T. GRCh37 (hg19) VCF-style: chr19-18545747-C-T.
Other names: c.1491G>A, p.Glu497= (NM_001170938.2); c.1269G>A, p.Glu423= (NM_001253389.2).
Identifiers: ClinVar variation 2649581 (VCV002649581.24), dbSNP rs149546342, ClinGen allele CA9311702.
Genomic context (GRCh38, chr19:18,434,937, plus strand): 5'-GGGGAGGAAGAGCCGAGAAACTGTGTGACCGGGGCCTCAGGTGGTGGGCATTGGGGGCTC[C>T]TCTTGCAGATGCCCATTGGCATCACCGGTGCAGCCATTGGTGGCAGCGGGTACCGGTCCT-3'
Protein context (NP_057452.1, residues 541-558): CTGDANGHLQ[Glu551=]EPPMPTT